The following is an entry in ClinVar:

NM_000273.3(GPR143):c.627C>A (p.Asn209Lys)

Gene: GPR143 (G protein-coupled receptor 143; minus strand). Cytogenetic location: Xp22.2.
Variant type: single nucleotide variant.
Coding change: c.627C>A on transcript NM_000273.3 (MANE Select); coding-DNA position 627, C replaced by A.
Protein change: p.Asn209Lys; replaces asparagine 209 with lysine.
Molecular consequence: missense variant.
Genome position (GRCh38, 1-based): chrX:9,746,075, G>T on the plus strand (C>A on the coding strand, the complement: GPR143 is on the minus strand). VCF-style: chrX-9746075-G-T. GRCh37 (hg19) VCF-style: chrX-9714115-G-T.
Other names: short protein forms N209K.
Identifiers: ClinVar variation 2088250 (VCV002088250.4), dbSNP rs985459271, ClinGen allele CA326095462.

ClinVar aggregate classification (germline): Uncertain significance (1 of 4 stars; one submission).

Allele frequency attached by ClinVar (database versions not stated): TOPMed below 0.00001; gnomAD 0.00001.

Submission:

Labcorp Genetics (formerly Invitae), Labcorp
Classification: Uncertain significance. Last evaluated: 2023-03-23. Review status: criteria provided, single submitter. Criteria: Invitae Variant Classification Sherloc (09022015). Collection method: clinical testing. Allele origin: germline.
Comment: This sequence change replaces asparagine, which is neutral and polar, with lysine, which is basic and polar, at codon 209 of the GPR143 protein (p.Asn209Lys). This variant is present in population databases (no rsID available, gnomAD 0.01%). This variant has not been reported in the literature in individuals affected with GPR143-related conditions. ClinVar contains an entry for this variant (Variation ID: 2088250). Advanced modeling of protein sequence and biophysical properties (such as structural, functional, and spatial information, amino acid conservation, physicochemical variation, residue mobility, and thermodynamic stability) performed at Invitae indicates that this missense variant is expected to disrupt GPR143 protein function. In summary, the available evidence is currently insufficient to determine the role of this variant in disease. Therefore, it has been classified as a Variant of Uncertain Significance.